The following is an entry in ClinVar:

NM_014140.4(SMARCAL1):c.734G>A (p.Gly245Asp)

Gene: SMARCAL1 (SNF2 related chromatin remodeling annealing helicase 1; plus strand). Cytogenetic location: 2q35.
Variant type: single nucleotide variant.
Coding change: c.734G>A on transcript NM_014140.4 (MANE Select); coding-DNA position 734, G replaced by A.
Protein change: p.Gly245Asp; replaces glycine 245 with aspartic acid.
Molecular consequence: missense variant.
Genome position (GRCh38, 1-based): chr2:216,415,438, G>A. VCF-style: chr2-216415438-G-A. GRCh37 (hg19) VCF-style: chr2-217280161-G-A.
Other names: c.734G>A, p.Gly245Asp (NM_001127207.2); short protein forms G245D.
Identifiers: ClinVar variation 650008 (VCV000650008.5), dbSNP rs1574443795, ClinGen allele CA350497934.
Genomic context (GRCh38, chr2:216,415,438, plus strand): 5'-AGTCAGGGTCCTCAGTCCAAAAAGGAGTGAACTCTCAGAAGGGAAAGTGCGTAAGGAACG[G>A]CGATCGTTTCCAGGTGTTGATTGGGTACAATGCGGAACTCATTGCAGTGTTTAAGACCCT-3'
Protein context (NP_054859.2, residues 235-255): NSQKGKCVRN[Gly245Asp]DRFQVLIGYN

ClinVar aggregate classification (germline): Uncertain significance (1 of 4 stars; one submission).

Conditions:
Schimke immuno-osseous dysplasia (SIOD). Also called: Schimke Immunoosseous Dysplasia. Identifiers: Orphanet 1830, MedGen C0877024, MONDO:0009458, OMIM 242900.

Allele frequency attached by ClinVar (database versions not stated): gnomAD exomes below 0.00001.
gnomAD v4.1: 6 of 1,614,220 alleles (0.00037%); highest among the groups gnomAD compares: African/African-American, 0.008%; no homozygotes.

Submission:

Labcorp Genetics (formerly Invitae), Labcorp
Classification: Uncertain significance for Schimke immuno-osseous dysplasia. Last evaluated: 2024-12-16. Review status: criteria provided, single submitter. Criteria: Invitae Variant Classification Sherloc (09022015). Collection method: clinical testing. Allele origin: germline.
Comment: This sequence change replaces glycine, which is neutral and non-polar, with aspartic acid, which is acidic and polar, at codon 245 of the SMARCAL1 protein (p.Gly245Asp). This variant is not present in population databases (gnomAD no frequency). This variant has not been reported in the literature in individuals affected with SMARCAL1-related conditions. ClinVar contains an entry for this variant (Variation ID: 650008). Invitae Evidence Modeling of protein sequence and biophysical properties (such as structural, functional, and spatial information, amino acid conservation, physicochemical variation, residue mobility, and thermodynamic stability) indicates that this missense variant is not expected to disrupt SMARCAL1 protein function with a negative predictive value of 80%. In summary, the available evidence is currently insufficient to determine the role of this variant in disease. Therefore, it has been classified as a Variant of Uncertain Significance.